The following is an entry in ClinVar:

NM_033022.4(RPS24):c.97G>T (p.Ala33Ser)

Gene: RPS24 (ribosomal protein S24; plus strand). Cytogenetic location: 10q22.3.
Variant type: single nucleotide variant.
Coding change: c.97G>T on transcript NM_033022.4 (MANE Select); coding-DNA position 97, G replaced by T.
Protein change: p.Ala33Ser; replaces alanine 33 with serine.
Molecular consequence: missense variant.
Genome position (GRCh38, 1-based): chr10:78,035,538, G>T. VCF-style: chr10-78035538-G-T. GRCh37 (hg19) VCF-style: chr10-79795296-G-T.
Other names: c.97G>T, p.Ala33Ser (NM_001026.5, NM_001142282.2, NM_001142283.2 and 2 more transcripts); short protein forms A33S.
Identifiers: ClinVar variation 2845431 (VCV002845431.3), dbSNP rs2493281028, ClinGen allele CA377328066.

ClinVar aggregate classification (germline): Uncertain significance (1 of 4 stars; one submission).

Conditions:
Diamond-Blackfan anemia. Also called: Blackfan Diamond syndrome; Aregenerative anemia chronic congenital; Red cell aplasia, pure hereditary; Congenital hypoplastic anemia; Aase syndrome. Identifiers: Orphanet 124, MedGen C1260899, MeSH D029503, MONDO:0015253, HP:0004810.

Submission:

Labcorp Genetics (formerly Invitae), Labcorp
Classification: Uncertain significance for Diamond-Blackfan anemia. Last evaluated: 2023-06-05. Review status: criteria provided, single submitter. Criteria: Invitae Variant Classification Sherloc (09022015). Collection method: clinical testing. Allele origin: germline.
Comment: This sequence change replaces alanine, which is neutral and non-polar, with serine, which is neutral and polar, at codon 33 of the RPS24 protein (p.Ala33Ser). This variant is not present in population databases (gnomAD no frequency). This variant has not been reported in the literature in individuals affected with RPS24-related conditions. An algorithm developed to predict the effect of missense changes on protein structure and function (PolyPhen-2) suggests that this variant is likely to be tolerated. In summary, the available evidence is currently insufficient to determine the role of this variant in disease. Therefore, it has been classified as a Variant of Uncertain Significance.